The following is an entry in ClinVar:

NM_001009944.3(PKD1):c.12267del (p.Leu4090fs)

Gene: PKD1 (polycystin 1, transient receptor potential channel interacting; minus strand). Cytogenetic location: 16p13.3.
Variant type: Deletion.
Coding change: c.12267del on transcript NM_001009944.3 (MANE Select); coding-DNA position 12267, one base deleted (G; older notation c.12267delG).
Protein change: p.Leu4090fs; shifts the reading frame from leucine 4090.
Molecular consequence: frameshift variant.
Genome position (GRCh38, 1-based): chr16:2,090,462, C deleted on the plus strand (G on the coding strand, the reverse complement: PKD1 is on the minus strand); the first of 4 consecutive C bases (chr16:2,090,462-2,090,465); deleting any one gives the same sequence. VCF-style (leftmost placement, unchanged base first): chr16-2090461-GC-G. GRCh37 (hg19) VCF-style: chr16-2140462-GC-G.
Other names: p.Leu4090SerfsTer108; c.12264del, p.Leu4089fs (NM_000296.4); short protein forms L4089fs, L4090fs.
Identifiers: ClinVar variation 2506952 (VCV002506952.4), dbSNP rs2544587268, ClinGen allele CA2580612737.
Genomic context (GRCh38, chr16:2,090,461, plus strand): 5'-AGCGCCAGCGGAGAATAACAGCCCCCAGCCGTAGGGCGCCCCACAGCCGCAGTGCCCAGA[GC>G]CCCACACACAGCAGGGGTGACAGGTGCCAGGACTCGGCAGGACACAGGGTAGAGAGCCCA-3'

ClinVar aggregate classification (germline): Pathogenic/Likely pathogenic. Review status: criteria provided, multiple submitters, no conflicts (2 of 4 stars). 2 submissions from 2 submitters: Pathogenic (1); Likely pathogenic (1). Last evaluated 2023-06-26.

Conditions:
Polycystic kidney disease, adult type (PKD1). Also called: Polycystic Kidney Disease 1, Autosomal Dominant; Polycystic kidney disease 1; Polycystic kidney disease 1, severe; Polycystic Kidney, Autosomal Dominant; POLYCYSTIC KIDNEY DISEASE, ADULT, TYPE I; POLYCYSTIC KIDNEY DISEASE 1 WITH OR WITHOUT POLYCYSTIC LIVER DISEASE. Identifiers: MedGen C3149841, MONDO:0008263, OMIM 173900.

Submissions (2):

Genesis Genoma Lab
Classification: Likely pathogenic for Polycystic kidney disease, adult type. Last evaluated: 2023-06-26. Review status: criteria provided, single submitter. Criteria: ACMG Guidelines, 2015. Collection method: clinical testing. Allele origin: de novo. Inheritance: Autosomal dominant inheritance. Affected: yes.
Comment: Variant c.12267del p.Leu4090SerfsTer108) of PKD1 gene is not reported in gnomAD database. Other frameshift variants in downstream genetic positions of gene PKD1 have been reported in ClinVar database with pathogenic clinical significance.

Juno Genomics, Hangzhou Juno Genomics, Inc
Classification: Pathogenic for Polycystic kidney disease, adult type. Review status: criteria provided, single submitter. Criteria: ACMG Guidelines, 2015. Collection method: clinical testing. Allele origin: germline. Affected: yes.
Comment: Null variant in a gene where loss of function (LOF) is a known mechanism of disease.;Absent from controls (or at extremely low frequency if recessive) in Genome Aggregation Database, Exome Sequencing Project, 1000 Genomes Project, or Exome Aggregation Consortium.;Patient's phenotype or family history is highly specific for a disease with a single genetic etiology.